The following is an entry in ClinVar:

NM_003803.4(MYOM1):c.1991G>A (p.Arg664His)

Gene: MYOM1 (myomesin 1; minus strand). Cytogenetic location: 18p11.31.
Variant type: single nucleotide variant.
Coding change: c.1991G>A on transcript NM_003803.4 (MANE Select); coding-DNA position 1991, G replaced by A.
Protein change: p.Arg664His; replaces arginine 664 with histidine.
Molecular consequence: missense variant.
Genome position (GRCh38, 1-based): chr18:3,141,973, C>T on the plus strand (G>A on the coding strand, the complement: MYOM1 is on the minus strand). VCF-style: chr18-3141973-C-T. GRCh37 (hg19) VCF-style: chr18-3141971-C-T.
Other names: c.1991G>A, p.Arg664His (NM_019856.2); short protein forms R664H.
Identifiers: ClinVar variation 410246 (VCV000410246.12), dbSNP rs373489373, ClinGen allele CA8874782.

ClinVar aggregate classification (germline): Uncertain significance. Review status: criteria provided, multiple submitters, no conflicts (2 of 4 stars). 2 submissions from 2 submitters: Uncertain significance (2). Last evaluated 2025-11-27.

Conditions:
Hypertrophic cardiomyopathy. Also called: HYPERTROPHIC MYOCARDIOPATHY. Identifiers: Orphanet 217569, MedGen C0007194, MeSH D002312, MONDO:0005045, HP:0001639.

Allele frequency attached by ClinVar (database versions not stated): gnomAD 0.00006 and 0.00009; gnomAD exomes 0.00006 and 0.00020; ExAC 0.00007; TOPMed 0.00007; ESP Exome Variant Server 0.00008.
gnomAD v4.1: 297 of 1,613,780 alleles (0.018%); highest among the groups gnomAD compares: Non-Finnish European, 0.024%; no homozygotes.

Submissions (2):

Labcorp Genetics (formerly Invitae), Labcorp
Classification: Uncertain significance for Hypertrophic cardiomyopathy. Last evaluated: 2025-11-27. Review status: criteria provided, single submitter. Criteria: Invitae Variant Classification Sherloc (09022015). Collection method: clinical testing. Allele origin: germline.
Comment: This sequence change replaces arginine, which is basic and polar, with histidine, which is basic and polar, at codon 664 of the MYOM1 protein (p.Arg664His). This variant is present in population databases (rs373489373, gnomAD 0.01%). This variant has not been reported in the literature in individuals affected with MYOM1-related conditions. ClinVar contains an entry for this variant (Variation ID: 410246). Invitae Evidence Modeling of protein sequence and biophysical properties (such as structural, functional, and spatial information, amino acid conservation, physicochemical variation, residue mobility, and thermodynamic stability) indicates that this missense variant is not expected to disrupt MYOM1 protein function with a negative predictive value of 80%. In summary, the available evidence is currently insufficient to determine the role of this variant in disease. Therefore, it has been classified as a Variant of Uncertain Significance.

Ambry Genetics
Classification: Uncertain significance. Last evaluated: 2025-10-12. Review status: criteria provided, single submitter. Criteria: Ambry Variant Classification Scheme 2023. Collection method: clinical testing. Allele origin: germline.
Comment: The p.R664H variant (also known as c.1991G>A), located in coding exon 13 of the MYOM1 gene, results from a G to A substitution at nucleotide position 1991. The arginine at codon 664 is replaced by histidine, an amino acid with highly similar properties. This amino acid position is conserved. In addition, this alteration is predicted to be tolerated by in silico analysis. Since supporting evidence is limited at this time, the clinical significance of this alteration remains unclear.